The following is an entry in ClinVar:

ClinVar aggregate classification (germline): Uncertain significance. Review status: criteria provided, multiple submitters, no conflicts (2 of 4 stars). 3 submissions from 3 submitters: Uncertain significance (3). Last evaluated 2026-01-26.

Conditions:
Inborn genetic diseases. Identifiers: MedGen C0950123, MeSH D030342.
Dyskeratosis congenita, autosomal recessive 6 (DKCB6). Identifiers: MedGen C4225356, MONDO:0014600, OMIM 616353.
Pulmonary fibrosis and/or bone marrow failure, Telomere-related, 4. Also called: PULMONARY FIBROSIS AND/OR BONE MARROW FAILURE SYNDROME, TELOMERE-RELATED, 4. Identifiers: Orphanet 2032, MedGen C4225347, MONDO:0014612, OMIM 616371.

Allele frequency attached by ClinVar (database versions not stated): ExAC 0.00003; gnomAD 0.00003 and 0.00004; gnomAD exomes 0.00004; TOPMed 0.00004; ESP Exome Variant Server 0.00017.
gnomAD v4.1: 57 of 1,595,394 alleles (0.0036%); highest among the groups gnomAD compares: Non-Finnish European, 0.0044%; no homozygotes.

Submissions (4):

Labcorp Genetics (formerly Invitae), Labcorp
Classification: Uncertain significance for Dyskeratosis congenita, autosomal recessive 6; Pulmonary fibrosis and/or bone marrow failure, Telomere-related, 4. Last evaluated: 2026-01-26. Review status: criteria provided, single submitter. Criteria: Invitae Variant Classification Sherloc (09022015). Collection method: clinical testing. Allele origin: germline.
Comment: This sequence change affects codon 280 of the PARN mRNA. It is a 'silent' change, meaning that it does not change the encoded amino acid sequence of the PARN protein. This variant also falls at the last nucleotide of exon 12, which is part of the consensus splice site for this exon. This variant is present in population databases (rs200026431, gnomAD 0.007%). This variant has not been reported in the literature in individuals affected with PARN-related conditions. ClinVar contains an entry for this variant (Variation ID: 1423263). Variants that disrupt the consensus splice site are a relatively common cause of aberrant splicing (PMID: 17576681, 9536098). Algorithms developed to predict the effect of sequence changes on RNA splicing suggest that this variant may disrupt the consensus splice site. In summary, the available evidence is currently insufficient to determine the role of this variant in disease. Therefore, it has been classified as a Variant of Uncertain Significance.

Ambry Genetics
Classification: Uncertain significance for Inborn genetic diseases. Last evaluated: 2021-07-19. Review status: criteria provided, single submitter. Criteria: Ambry Variant Classification Scheme 2023. Collection method: clinical testing. Allele origin: germline.
Comment: Occurs in the last base pair of the exon Based on insufficient or conflicting evidence, the clinical significance of this alteration remains unclear.

Center for Genomics, Ann and Robert H. Lurie Children's Hospital of Chicago
Classification: Uncertain significance for Dyskeratosis congenita, autosomal recessive 6; Pulmonary fibrosis and/or bone marrow failure, Telomere-related, 4. Review status: criteria provided, single submitter. Criteria: ACMG Guidelines, 2015. Collection method: clinical testing. Allele origin: germline.
Comment: PARN NM_002582.3 exon 12 p.Ser280= (c.840G>A): This variant has not been reported in the literature but is present in 0.007% (5/68024) of European alleles in the Genome Aggregation Database. Evolutionary conservation and computational predictive tools for this variant are limited or unavailable. This variant is a silent variant and does not change the amino acid, reducing the probability that this variant is disease causing. Of note, this variant alters the last nucleotide of the exon; splice prediction tools suggest that this variant may affect splicing. However, further studies are needed to understand its impact. In summary, data on this variant is insufficient for disease classification. Therefore, the clinical significance of this variant is uncertain.

Dr. Peter K. Rogan Lab, Western University
No classification provided (evidence only). Condition: Cervical cancer. Review status: no classification provided. Collection method: in vitro. Allele origin: not applicable. Functional consequence: skipped exon. Not counted in ClinVar's aggregate classification.

Literature cited by the submitters: PubMed 17576681 (cited by Labcorp Genetics (formerly Invitae), Labcorp); PubMed 9536098 (cited by Labcorp Genetics (formerly Invitae), Labcorp).

NM_002582.4(PARN):c.840G>A (p.Ser280=)

Gene: PARN (poly(A)-specific ribonuclease; minus strand). Cytogenetic location: 16p13.12.
Variant type: single nucleotide variant.
Coding change: c.840G>A on transcript NM_002582.4 (MANE Select); coding-DNA position 840, G replaced by A.
Protein change: p.Ser280=; no amino-acid change (serine 280 retained).
Molecular consequence: synonymous variant.
Genome position (GRCh38, 1-based): chr16:14,599,904, C>T on the plus strand (G>A on the coding strand, the complement: PARN is on the minus strand). VCF-style: chr16-14599904-C-T. GRCh37 (hg19) VCF-style: chr16-14693761-C-T.
Other names: c.657G>A, p.Ser219= (NM_001134477.3); c.702G>A, p.Ser234= (NM_001242992.2); c.840G>A (NM_002582.3).
Identifiers: ClinVar variation 1423263 (VCV001423263.10), dbSNP rs200026431, ClinGen allele CA7912276.